The following is an entry in ClinVar:

ClinVar aggregate classification (germline): Uncertain significance (1 of 4 stars; one submission).

Conditions:
PCNT-related disorder. Also called: PCNT-related condition.

gnomAD v4.1: 4 of 1,614,120 alleles (0.00025%); highest among the groups gnomAD compares: Admixed American, 0.0067%; no homozygotes.

Submission:

PreventionGenetics, part of Exact Sciences
Classification: Uncertain significance for PCNT-related condition. Last evaluated: 2025-07-03. Review status: criteria provided, single submitter. Criteria: ACMG Guidelines, 2015. Collection method: clinical testing. Allele origin: germline.
Comment: The PCNT c.3218T>C variant is predicted to result in the amino acid substitution p.Leu1073Pro. To our knowledge, this variant has not been reported in the literature. This variant is reported in 0.012% of alleles in individuals of Latino descent in gnomAD. At this time, the clinical significance of this variant is uncertain due to the absence of conclusive functional and genetic evidence.

NM_006031.6(PCNT):c.3218T>C (p.Leu1073Pro)

Gene: PCNT (pericentrin; plus strand). Cytogenetic location: 21q22.3.
Variant type: single nucleotide variant.
Coding change: c.3218T>C on transcript NM_006031.6 (MANE Select); coding-DNA position 3218, T replaced by C.
Protein change: p.Leu1073Pro; replaces leucine 1073 with proline.
Molecular consequence: missense variant.
Genome position (GRCh38, 1-based): chr21:46,381,746, T>C. VCF-style: chr21-46381746-T-C. GRCh37 (hg19) VCF-style: chr21-47801661-T-C.
Other names: c.2864T>C, p.Leu955Pro (NM_001315529.2); short protein forms L1073P, L955P.
Identifiers: ClinVar variation 5002618 (VCV005002618.1).